The following is an entry in ClinVar:

ClinVar aggregate classification (germline): Likely pathogenic (1 of 4 stars; one submission).

Conditions:
Inborn genetic diseases. Identifiers: MedGen C0950123, MeSH D030342.

Submission:

Ambry Genetics
Classification: Likely pathogenic for Inborn genetic diseases. Last evaluated: 2025-11-10. Review status: criteria provided, single submitter. Criteria: Ambry Variant Classification Scheme 2023. Collection method: clinical testing. Allele origin: germline.
Comment: The c.34-41825T>A intronic variant results from a T to A substitution 41825 nucleotides upstream from coding exon 2 in the ETV6 gene. In silico splice site analysis predicts that this alteration will result in the creation or strengthening of a novel splice donor site. RNA studies have demonstrated that this alteration results in abnormal splicing in the set of samples tested (Ambry internal data). Based on the majority of available evidence to date, this variant is likely to be pathogenic.

NM_001987.5(ETV6):c.34-41825T>A

Gene: ETV6 (ETS variant transcription factor 6; plus strand). Cytogenetic location: 12p13.2.
Variant type: single nucleotide variant.
Coding change: c.34-41825T>A on transcript NM_001987.5 (MANE Select); 41825 bases into the intron before coding-DNA position 34, T replaced by A.
Molecular consequence: intron variant.
Genome position (GRCh38, 1-based): chr12:11,710,625, T>A. VCF-style: chr12-11710625-T-A. GRCh37 (hg19) VCF-style: chr12-11863559-T-A.
Other names: c.-119-33193T>A (NM_001413914.1); c.34-41825T>A (NM_001413917.1, NM_001413916.1, NM_001413918.1); c.34-41828T>A (NM_001413913.1); c.-102+60465T>A (NM_001413915.1).
Identifiers: ClinVar variation 4020046 (VCV004020046.2).